The following is an entry in ClinVar:

NM_014049.5(ACAD9):c.1646G>A (p.Arg549Gln)

Genes: ACAD9 (acyl-CoA dehydrogenase family member 9; plus strand), CFAP92 (cilia and flagella associated protein 92 (putative); minus strand). Cytogenetic location: 3q21.3.
Variant type: single nucleotide variant.
Coding change: c.1646G>A on transcript NM_014049.5 (MANE Select); coding-DNA position 1646, G replaced by A.
Protein change: p.Arg549Gln; replaces arginine 549 with glutamine.
Molecular consequence: missense variant. On other transcripts: 3 prime UTR variant (3), non-coding transcript variant (1).
Genome position (GRCh38, 1-based): chr3:128,910,103, G>A. VCF-style: chr3-128910103-G-A. GRCh37 (hg19) VCF-style: chr3-128628946-G-A.
Other names: c.*196C>T (NM_001348521.2, NM_001394090.1, NM_001348520.2); c.1277G>A, p.Arg426Gln (NM_001410805.1); short protein forms R549Q, R426Q.
Identifiers: ClinVar variation 1520012 (VCV001520012.7), dbSNP rs750899715, ClinGen allele CA2601632.

ClinVar aggregate classification (germline): Conflicting classifications of pathogenicity. Review status: criteria provided, conflicting classifications (1 of 4 stars). 5 submissions from 5 submitters: Likely pathogenic (2); Uncertain significance (3). Last evaluated 2025-12-12.

Conditions:
Acyl-CoA dehydrogenase 9 deficiency. Also called: Acyl-CoA dehydrogenase family, member 9, deficiency of; MITOCHONDRIAL COMPLEX I DEFICIENCY, NUCLEAR TYPE 20. Identifiers: Orphanet 99901, MedGen C4747517, MONDO:0012624, OMIM 611126.

Allele frequency attached by ClinVar (database versions not stated): TOPMed below 0.00001; ExAC 0.00001; gnomAD 0.00001; gnomAD exomes 0.00001.
gnomAD v4.1: 12 of 1,613,710 alleles (0.00074%); highest among the groups gnomAD compares: East Asian, 0.0022%; no homozygotes.

Submissions (5):

Natera, Inc.
Classification: Likely pathogenic for ACAD9 deficiency. Last evaluated: 2025-12-12. Review status: criteria provided, single submitter. Criteria: Natera Variant Classification Schema (03/2026). Collection method: clinical testing. Allele origin: germline.
Comment: The c.1646G>A variant in ACAD9 is a missense variant predicted to cause substitution of arginine to glutamine at amino acid 549. This variant is rare in the general population with a frequency below the threshold expected for the associated phenotype(s). This variant has been observed in one or more individuals affected with the associated recessive disease, as either homozygous or compound heterozygous with a second variant (PMID: 30025539, 37240454). Computational prediction algorithms indicate this variant is likely to affect gene or protein function. Given the available evidence, this variant is classified as Likely Pathogenic.

Baylor Genetics
Classification: Likely pathogenic for Acyl-CoA dehydrogenase 9 deficiency. Last evaluated: 2023-08-13. Review status: criteria provided, single submitter. Criteria: ACMG Guidelines, 2015. Collection method: clinical testing. Allele origin: unknown.

Women's Health and Genetics/Laboratory Corporation of America, LabCorp
Classification: Uncertain significance. Last evaluated: 2022-08-11. Review status: criteria provided, single submitter. Criteria: LabCorp Variant Classification Summary - May 2015. Collection method: clinical testing. Allele origin: germline.
Comment: Variant summary: ACAD9 c.1646G>A (p.Arg549Gln) results in a conservative amino acid change in the encoded protein sequence. Four of five in-silico tools predict a damaging effect of the variant on protein function. The variant allele was found at a frequency of 8e-06 in 249370 control chromosomes (gnomAD). The available data on variant occurrences in the general population are insufficient to allow any conclusion about variant significance. c.1646G>A has been reported in the literature in an individual affected with ACAD9 Deficiency (Repp_2018). These data do not allow any conclusion about variant significance. To our knowledge, no experimental evidence demonstrating an impact on protein function has been reported. A ClinVar submitter (evaluation after 2014) cites the variant as uncertain significance. Based on the evidence outlined above, the variant was classified as uncertain significance.

Fulgent Genetics
Classification: Uncertain significance for Acyl-CoA dehydrogenase 9 deficiency. Last evaluated: 2022-03-14. Review status: criteria provided, single submitter. Criteria: ACMG Guidelines, 2015. Collection method: clinical testing. Allele origin: unknown.

Labcorp Genetics (formerly Invitae), Labcorp
Classification: Uncertain significance. Last evaluated: 2021-12-17. Review status: criteria provided, single submitter. Criteria: Invitae Variant Classification Sherloc (09022015). Collection method: clinical testing. Allele origin: germline.
Comment: This sequence change replaces arginine, which is basic and polar, with glutamine, which is neutral and polar, at codon 549 of the ACAD9 protein (p.Arg549Gln). This variant is present in population databases (rs750899715, gnomAD 0.006%). This missense change has been observed in individual(s) with ACAD9-related conditions (PMID: 30025539). Algorithms developed to predict the effect of missense changes on protein structure and function (SIFT, PolyPhen-2, Align-GVGD) all suggest that this variant is likely to be disruptive. Algorithms developed to predict the effect of sequence changes on RNA splicing suggest that this variant may create or strengthen a splice site. In summary, the available evidence is currently insufficient to determine the role of this variant in disease. Therefore, it has been classified as a Variant of Uncertain Significance.

Literature cited by the submitters: PubMed 30025539 (cited by 3 submitters); PubMed 37240454 (cited by Natera, Inc.).